The following is an entry in ClinVar:

ClinVar aggregate classification (germline): Pathogenic (1 of 4 stars; one submission).

Submission:

GeneDx
Classification: Pathogenic. Last evaluated: 2023-05-02. Review status: criteria provided, single submitter. Criteria: GeneDx Variant Classification Process June 2021. Collection method: clinical testing. Allele origin: germline. Affected: yes.
Comment: Not observed at significant frequency in large population cohorts (gnomAD); In silico analysis supports that this missense variant has a deleterious effect on protein structure/function; Has not been previously published as pathogenic or benign to our knowledge; This variant is associated with the following publications: (PMID: 24658002)

NM_003072.5(SMARCA4):c.2953G>A (p.Glu985Lys)

Gene: SMARCA4 (SWI/SNF related BAF chromatin remodeling complex subunit ATPase 4; plus strand). Cytogenetic location: 19p13.2.
Variant type: single nucleotide variant.
Coding change: c.2953G>A on transcript NM_003072.5 (MANE Select); coding-DNA position 2953, G replaced by A.
Protein change: p.Glu985Lys; replaces glutamic acid 985 with lysine.
Molecular consequence: missense variant. On other transcripts: non-coding transcript variant (1).
Genome position (GRCh38, 1-based): chr19:11,023,611, G>A. VCF-style: chr19-11023611-G-A. GRCh37 (hg19) VCF-style: chr19-11134287-G-A.
Other names: c.2953G>A, p.Glu985Lys (NM_001128844.3, NM_001128845.2, NM_001128846.2 and 6 more transcripts); short protein forms E985K.
Identifiers: ClinVar variation 2501584 (VCV002501584.1), dbSNP rs1415464964, ClinGen allele CA404057661.